The following is an entry in ClinVar:

ClinVar aggregate classification (germline): Uncertain significance (1 of 4 stars; one submission).

Allele frequency attached by ClinVar (database versions not stated): TOPMed 0.00001.
gnomAD v4.1: 2 of 1,613,892 alleles (0.00012%); highest among the groups gnomAD compares: Non-Finnish European, 0.00017%; no homozygotes.

Submission:

Labcorp Genetics (formerly Invitae), Labcorp
Classification: Uncertain significance. Last evaluated: 2025-10-08. Review status: criteria provided, single submitter. Criteria: Invitae Variant Classification Sherloc (09022015). Collection method: clinical testing. Allele origin: germline.
Comment: This sequence change replaces isoleucine, which is neutral and non-polar, with valine, which is neutral and non-polar, at codon 787 of the CLCN6 protein (p.Ile787Val). This variant is not present in population databases (gnomAD no frequency). This variant has not been reported in the literature in individuals affected with CLCN6-related conditions. ClinVar contains an entry for this variant (Variation ID: 1976336). An algorithm developed to predict the effect of missense changes on protein structure and function (PolyPhen-2) suggests that this variant is likely to be disruptive. In summary, the available evidence is currently insufficient to determine the role of this variant in disease. Therefore, it has been classified as a Variant of Uncertain Significance.

NM_001286.5(CLCN6):c.2359A>G (p.Ile787Val)

Gene: CLCN6 (Cl-/H+ antiporter 6; plus strand). Cytogenetic location: 1p36.22.
Variant type: single nucleotide variant.
Coding change: c.2359A>G on transcript NM_001286.5 (MANE Select); coding-DNA position 2359, A replaced by G.
Protein change: p.Ile787Val; replaces isoleucine 787 with valine.
Molecular consequence: missense variant. On other transcripts: non-coding transcript variant (1).
Genome position (GRCh38, 1-based): chr1:11,838,398, A>G. VCF-style: chr1-11838398-A-G. GRCh37 (hg19) VCF-style: chr1-11898455-A-G.
Other names: c.2293A>G, p.Ile765Val (NM_001256959.2); short protein forms I787V, I765V.
Identifiers: ClinVar variation 1976336 (VCV001976336.5), dbSNP rs1308537309, ClinGen allele CA338442902.